The following is an entry in ClinVar:

NM_001204.7(BMPR2):c.3025G>A (p.Val1009Ile)

Gene: BMPR2 (bone morphogenetic protein receptor type 2; plus strand). Cytogenetic location: 2q33.2.
Variant type: single nucleotide variant.
Coding change: c.3025G>A on transcript NM_001204.7 (MANE Select); coding-DNA position 3025, G replaced by A.
Protein change: p.Val1009Ile; replaces valine 1009 with isoleucine.
Molecular consequence: missense variant.
Genome position (GRCh38, 1-based): chr2:202,559,854, G>A. VCF-style: chr2-202559854-G-A. GRCh37 (hg19) VCF-style: chr2-203424577-G-A.
Other names: short protein forms V1009I.
Identifiers: ClinVar variation 2042733 (VCV002042733.5), dbSNP rs753792152, ClinGen allele CA2061632.

ClinVar aggregate classification (germline): Conflicting classifications of pathogenicity. Review status: criteria provided, conflicting classifications (1 of 4 stars). 2 submissions from 2 submitters: Uncertain significance (1); Likely benign (1). Last evaluated 2025-10-21.

Conditions:
Inborn genetic diseases. Identifiers: MedGen C0950123, MeSH D030342.
Primary pulmonary hypertension. Also called: Idiopathic pulmonary hypertension. Identifiers: MedGen C0152171.

Allele frequency attached by ClinVar (database versions not stated): gnomAD exomes below 0.00001; TOPMed below 0.00001; ExAC 0.00001; gnomAD 0.00001.
gnomAD v4.1: 8 of 1,613,998 alleles (0.0005%); highest among the groups gnomAD compares: Non-Finnish European, 0.00068%; no homozygotes.

Submissions (2):

Labcorp Genetics (formerly Invitae), Labcorp
Classification: Likely benign for Primary pulmonary hypertension. Last evaluated: 2025-10-21. Review status: criteria provided, single submitter. Criteria: Invitae Variant Classification Sherloc (09022015). Collection method: clinical testing. Allele origin: germline.

Ambry Genetics
Classification: Uncertain significance for Inborn genetic diseases. Last evaluated: 2024-11-30. Review status: criteria provided, single submitter. Criteria: Ambry Variant Classification Scheme 2023. Collection method: clinical testing. Allele origin: germline.
Comment: The p.V1009I variant (also known as c.3025G>A), located in coding exon 13 of the BMPR2 gene, results from a G to A substitution at nucleotide position 3025. The valine at codon 1009 is replaced by isoleucine, an amino acid with highly similar properties. This amino acid position is conserved. In addition, this alteration is predicted to be tolerated by in silico analysis. Based on the available evidence, the clinical significance of this variant remains unclear.